The following is an entry in ClinVar:

ClinVar aggregate classification (germline): Uncertain significance. Review status: criteria provided, multiple submitters, no conflicts (2 of 4 stars). 2 submissions from 2 submitters: Uncertain significance (2). Last evaluated 2026-03-19.

Conditions:
Inborn genetic diseases. Identifiers: MedGen C0950123, MeSH D030342.

Allele frequency attached by ClinVar (database versions not stated): TOPMed below 0.00001; gnomAD 0.00001; gnomAD exomes below 0.00001.
gnomAD v4.1: 7 of 1,614,048 alleles (0.00043%); highest among the groups gnomAD compares: Non-Finnish European, 0.00051%; no homozygotes.

Submissions (2):

Ambry Genetics
Classification: Uncertain significance for Inborn genetic diseases. Last evaluated: 2026-03-19. Review status: criteria provided, single submitter. Criteria: Ambry Variant Classification Scheme 2023. Collection method: clinical testing. Allele origin: germline.

Labcorp Genetics (formerly Invitae), Labcorp
Classification: Uncertain significance. Last evaluated: 2025-09-02. Review status: criteria provided, single submitter. Criteria: Invitae Variant Classification Sherloc (09022015). Collection method: clinical testing. Allele origin: germline.
Comment: This sequence change replaces glutamic acid, which is acidic and polar, with lysine, which is basic and polar, at codon 1140 of the CDK13 protein (p.Glu1140Lys). This variant is not present in population databases (gnomAD no frequency). This variant has not been reported in the literature in individuals affected with CDK13-related conditions. ClinVar contains an entry for this variant (Variation ID: 2871778). Invitae Evidence Modeling of protein sequence and biophysical properties (such as structural, functional, and spatial information, amino acid conservation, physicochemical variation, residue mobility, and thermodynamic stability) indicates that this missense variant is not expected to disrupt CDK13 protein function with a negative predictive value of 80%. In summary, the available evidence is currently insufficient to determine the role of this variant in disease. Therefore, it has been classified as a Variant of Uncertain Significance.

NM_003718.5(CDK13):c.3418G>A (p.Glu1140Lys)

Gene: CDK13 (cyclin dependent kinase 13; plus strand). Cytogenetic location: 7p14.1.
Variant type: single nucleotide variant.
Coding change: c.3418G>A on transcript NM_003718.5 (MANE Select); coding-DNA position 3418, G replaced by A.
Protein change: p.Glu1140Lys; replaces glutamic acid 1140 with lysine.
Molecular consequence: missense variant.
Genome position (GRCh38, 1-based): chr7:40,092,967, G>A. VCF-style: chr7-40092967-G-A. GRCh37 (hg19) VCF-style: chr7-40132566-G-A.
Other names: c.3238G>A, p.Glu1080Lys (NM_031267.4); c.3418G>A (NM_003718.4); short protein forms E1080K, E1140K.
Identifiers: ClinVar variation 2871778 (VCV002871778.4), dbSNP rs766029093, ClinGen allele CA157266228.
Genomic context (GRCh38, chr7:40,092,967, plus strand): 5'-TCTGAGACTCAACAGCAGCTAAATAAAATAAACCTTCCTGCTGGAATTTTGGCAACAGGT[G>A]AAAAACAGACAGATCCATCAACACCACAACAGGAGTCTTCGAAACCGTTGGGAGGAATTC-3'
Protein context (NP_003709.3, residues 1130-1150): NLPAGILATG[Glu1140Lys]KQTDPSTPQQ